The following is an entry in ClinVar:

ClinVar aggregate classification (germline): Uncertain significance (1 of 4 stars; one submission).

Conditions:
Leber congenital amaurosis 2 (LCA2). Also called: Autosomal Recessive RPE65-Related Retinal Degeneration; AMAUROSIS CONGENITA OF LEBER II. Identifiers: Orphanet 65, MedGen C1859844, MONDO:0008765, OMIM 204100. Disease mechanism: loss of function.
Retinitis pigmentosa 20 (RP20). Identifiers: Orphanet 791, MedGen C3151086, MONDO:0013425, OMIM 613794.

Allele frequency attached by ClinVar (database versions not stated): gnomAD 0.00001.
gnomAD v4.1: 1 of 1,613,258 alleles (0.000062%); highest among the groups gnomAD compares: Non-Finnish European, 0.000085%; no homozygotes.

Submission:

Labcorp Genetics (formerly Invitae), Labcorp
Classification: Uncertain significance for Leber congenital amaurosis 2; Retinitis pigmentosa 20. Last evaluated: 2023-11-27. Review status: criteria provided, single submitter. Criteria: Invitae Variant Classification Sherloc (09022015). Collection method: clinical testing. Allele origin: germline.
Comment: This sequence change replaces aspartic acid, which is acidic and polar, with tyrosine, which is neutral and polar, at codon 482 of the RPE65 protein (p.Asp482Tyr). This variant is not present in population databases (gnomAD no frequency). This missense change has been observed in individual(s) with inherited retinal disease (PMID: 36460718). ClinVar contains an entry for this variant (Variation ID: 1465598). Advanced modeling of protein sequence and biophysical properties (such as structural, functional, and spatial information, amino acid conservation, physicochemical variation, residue mobility, and thermodynamic stability) performed at Invitae indicates that this missense variant is expected to disrupt RPE65 protein function with a positive predictive value of 80%. This variant disrupts the p.Asp482 amino acid residue in RPE65. Other variant(s) that disrupt this residue have been determined to be pathogenic (PMID: 30268864; Invitae). This suggests that this residue is clinically significant, and that variants that disrupt this residue are likely to be disease-causing. In summary, the available evidence is currently insufficient to determine the role of this variant in disease. Therefore, it has been classified as a Variant of Uncertain Significance.

Literature cited by the submitters: PubMed 36460718; PubMed 30268864.

NM_000329.3(RPE65):c.1444G>T (p.Asp482Tyr)

Gene: RPE65 (retinoid isomerohydrolase RPE65; minus strand). Cytogenetic location: 1p31.3.
Variant type: single nucleotide variant.
Coding change: c.1444G>T on transcript NM_000329.3 (MANE Select); coding-DNA position 1444, G replaced by T.
Protein change: p.Asp482Tyr; replaces aspartic acid 482 with tyrosine.
Molecular consequence: missense variant.
Genome position (GRCh38, 1-based): chr1:68,431,071, C>A on the plus strand (G>T on the coding strand, the complement: RPE65 is on the minus strand). VCF-style: chr1-68431071-C-A. GRCh37 (hg19) VCF-style: chr1-68896754-C-A.
Other names: short protein forms D482Y.
Identifiers: ClinVar variation 1465598 (VCV001465598.6), dbSNP rs2100806802, ClinGen allele CA340741706.